The following is an entry in ClinVar:

NM_006767.4(LZTR1):c.990C>T (p.Ser330=)

Gene: LZTR1 (leucine zipper like post translational regulator 1; plus strand). Cytogenetic location: 22q11.21.
Variant type: single nucleotide variant.
Coding change: c.990C>T on transcript NM_006767.4 (MANE Select); coding-DNA position 990, C replaced by T.
Protein change: p.Ser330=; no amino-acid change (serine 330 retained).
Molecular consequence: synonymous variant.
Genome position (GRCh38, 1-based): chr22:20,991,826, C>T. VCF-style: chr22-20991826-C-T. GRCh37 (hg19) VCF-style: chr22-21346115-C-T.
Identifiers: ClinVar variation 513662 (VCV000513662.9), dbSNP rs548900356, ClinGen allele CA10118677.

ClinVar aggregate classification (germline): Likely benign. Review status: criteria provided, multiple submitters, no conflicts (2 of 4 stars). 3 submissions from 3 submitters: Likely benign (3). Last evaluated 2025-10-07.

Conditions:
Hereditary cancer-predisposing syndrome. Also called: Hereditary Cancer Syndrome; Neoplastic Syndromes, Hereditary; Tumor predisposition; Hereditary neoplastic syndrome. Identifiers: Orphanet 140162, MedGen C0027672, MeSH D009386, MONDO:0015356.
Cardiovascular phenotype. Identifiers: MedGen CN230736.

Allele frequency attached by ClinVar (database versions not stated): gnomAD 0.00001; TOPMed 0.00002; gnomAD exomes 0.00003; ExAC 0.00005; 1000 Genomes Project 30x 0.00016; 1000 Genomes Project 0.00020.
gnomAD v4.1: 46 of 1,548,674 alleles (0.003%); highest among the groups gnomAD compares: South Asian, 0.012%; no homozygotes.

Submissions (3):

Labcorp Genetics (formerly Invitae), Labcorp
Classification: Likely benign. Last evaluated: 2025-10-07. Review status: criteria provided, single submitter. Criteria: Invitae Variant Classification Sherloc (09022015). Collection method: clinical testing. Allele origin: germline.

Ambry Genetics
Classification: Likely benign for Cardiovascular phenotype; Hereditary cancer-predisposing syndrome. Last evaluated: 2021-08-18. Review status: criteria provided, single submitter. Criteria: Ambry Variant Classification Scheme 2023. Collection method: clinical testing. Allele origin: germline.

GeneDx
Classification: Likely benign. Last evaluated: 2017-12-05. Review status: criteria provided, single submitter. Criteria: GeneDx Variant Classification (06012015). Collection method: clinical testing. Allele origin: germline. Affected: yes.
Comment: This variant is considered likely benign or benign based on one or more of the following criteria: it is a conservative change, it occurs at a poorly conserved position in the protein, it is predicted to be benign by multiple in silico algorithms, and/or has population frequency not consistent with disease.